The following is an entry in ClinVar:

NM_020708.5(SLC12A5):c.*2003T>C

Gene: SLC12A5 (solute carrier family 12 member 5; plus strand). Cytogenetic location: 20q13.12.
Variant type: single nucleotide variant.
Coding change: c.*2003T>C on transcript NM_020708.5 (MANE Select); 2003 bases downstream of the stop codon, T replaced by C.
Molecular consequence: 3 prime UTR variant.
Genome position (GRCh38, 1-based): chr20:46,059,608, T>C. VCF-style: chr20-46059608-T-C. GRCh37 (hg19) VCF-style: chr20-44688247-T-C.
Other names: c.*2003T>C (NM_001134771.2).
Identifiers: ClinVar variation 4823665 (VCV004823665.4).

ClinVar aggregate classification (germline): Likely benign (1 of 4 stars; one submission).

gnomAD v4.1: 2 of 398,954 alleles (0.0005%); highest among the groups gnomAD compares: Non-Finnish European, 0.00088%; no homozygotes.

Submission:

CeGaT Center for Human Genetics Tuebingen
Classification: Likely benign. Last evaluated: 2026-03-01. Review status: criteria provided, single submitter. Criteria: CeGaT Center For Human Genetics Tuebingen Variant Classification Criteria Version 2. Collection method: clinical testing. Allele origin: germline. Affected: yes. Observed: 1 variant allele.
Comment: SLC12A5: BP4, BP7